The following is an entry in ClinVar:

ClinVar aggregate classification (germline): Conflicting classifications of pathogenicity. Review status: criteria provided, conflicting classifications (1 of 4 stars). 2 submissions from 2 submitters: Uncertain significance (1); Likely benign (1). Last evaluated 2022-12-31.

Conditions:
Myofibrillar myopathy 4. Also called: Zaspopathy (type). Identifiers: Orphanet 98912, MedGen C4721886, MONDO:0012277, OMIM 609452.

Allele frequency attached by ClinVar (database versions not stated): gnomAD 0.00001; gnomAD exomes 0.00001; TOPMed 0.00001; ExAC 0.00002.
gnomAD v4.1: 3 of 1,613,026 alleles (0.00019%); no homozygotes.

Submissions (2):

Labcorp Genetics (formerly Invitae), Labcorp
Classification: Uncertain significance for Myofibrillar myopathy 4. Last evaluated: 2022-12-31. Review status: criteria provided, single submitter. Criteria: Invitae Variant Classification Sherloc (09022015). Collection method: clinical testing. Allele origin: germline.
Comment: This variant has not been reported in the literature in individuals affected with LDB3-related conditions. This variant is present in population databases (rs749512075, gnomAD 0.01%). This sequence change falls in intron 10 of the LDB3 gene. It does not directly change the encoded amino acid sequence of the LDB3 protein. The LDB3 gene has multiple clinically relevant transcripts. This variant occurs in alternate transcript NM_007078.3, and corresponds to NM_001080116.1:c.*18571C>T in the primary transcript. Experimental studies and prediction algorithms are not available or were not evaluated, and the effect of this variant on mRNA splicing is currently unknown. In summary, the available evidence is currently insufficient to determine the role of this variant in disease. Therefore, it has been classified as a Variant of Uncertain Significance.

GeneDx
Classification: Likely benign. Last evaluated: 2016-06-08. Review status: criteria provided, single submitter. Criteria: GeneDx Variant Classification (06012015). Collection method: clinical testing. Allele origin: germline. Affected: yes.
Comment: This variant is considered likely benign or benign based on one or more of the following criteria: it is a conservative change, it occurs at a poorly conserved position in the protein, it is predicted to be benign by multiple in silico algorithms, and/or has population frequency not consistent with disease.

NM_007078.3(LDB3):c.1677-19C>T

Gene: LDB3 (LIM domain binding 3; plus strand). Cytogenetic location: 10q23.2.
Variant type: single nucleotide variant.
Coding change: c.1677-19C>T on transcript NM_007078.3 (MANE Select); 19 bases into the intron before coding-DNA position 1677, C replaced by T.
Molecular consequence: intron variant.
Genome position (GRCh38, 1-based): chr10:86,717,945, C>T. VCF-style: chr10-86717945-C-T. GRCh37 (hg19) VCF-style: chr10-88477702-C-T.
Other names: c.1488-19C>T (NM_001368064.1, NM_001368065.1); c.1692-19C>T (NM_001171610.2); c.1536-19C>T (NM_001368066.1); c.1347-19C>T (NM_001080114.2); c.1677-19C>T (LRG_385t1).
Identifiers: ClinVar variation 386460 (VCV000386460.4), dbSNP rs749512075, ClinGen allele CA5585212.